The following is an entry in ClinVar:

ClinVar aggregate classification (germline): Conflicting classifications of pathogenicity. Review status: criteria provided, conflicting classifications (1 of 4 stars). 9 submissions from 9 submitters: Uncertain significance (1); Likely benign (8). Last evaluated 2026-03-01.

Conditions:
Inborn genetic diseases. Identifiers: MedGen C0950123, MeSH D030342.
Intellectual disability, autosomal dominant 9 (NESCAVS). Also called: KIF1A-Related Neurodevelopmental Disorder; NESCAV SYNDROME. Identifiers: Orphanet 662367, MedGen C5393830, MONDO:0013656, OMIM 614255.
Neuropathy, hereditary sensory, type 2C. Also called: Hereditary sensory and autonomic neuropathy type IIC; KIF1A-Related HSAN2 (HSAN2C). Identifiers: Orphanet 970, MedGen C3280168, MONDO:0013634, OMIM 614213.
Hereditary spastic paraplegia 30. Identifiers: Orphanet 101010, MedGen C5235139, MONDO:0012476.

Allele frequency attached by ClinVar (database versions not stated): ESP Exome Variant Server 0.00032; gnomAD 0.00032; TOPMed 0.00033; ExAC 0.00070.
gnomAD v4.1: 582 of 1,609,758 alleles (0.036%); highest among the groups gnomAD compares: Middle Eastern, 0.13%; no homozygotes.

Submissions (9):

CeGaT Center for Human Genetics Tuebingen
Classification: Likely benign. Last evaluated: 2026-03-01. Review status: criteria provided, single submitter. Criteria: CeGaT Center For Human Genetics Tuebingen Variant Classification Criteria Version 2. Collection method: clinical testing. Allele origin: germline. Affected: yes. Observed: 7 variant alleles.
Comment: KIF1A: BP4, BP7

Labcorp Genetics (formerly Invitae), Labcorp
Classification: Likely benign for Hereditary spastic paraplegia 30; Neuropathy, hereditary sensory, type 2C; Intellectual disability, autosomal dominant 9. Last evaluated: 2026-01-27. Review status: criteria provided, single submitter. Criteria: Invitae Variant Classification Sherloc (09022015). Collection method: clinical testing. Allele origin: germline.

Blueprint Genetics
Classification: Likely benign. Last evaluated: 2024-11-26. Review status: criteria provided, single submitter. Criteria: ACMG Guidelines, 2015. Collection method: clinical testing. Allele origin: germline.

Mayo Clinic Laboratories, Mayo Clinic
Classification: Likely benign. Last evaluated: 2024-11-25. Review status: criteria provided, single submitter. Criteria: ACMG Guidelines, 2015. Collection method: clinical testing. Allele origin: germline. Observed: 2 variant alleles.
Comment: BP4, BP7

ARUP Laboratories, Molecular Genetics and Genomics, ARUP Laboratories
Classification: Likely benign. Last evaluated: 2021-02-10. Review status: criteria provided, single submitter. Criteria: ARUP Molecular Germline Variant Investigation Process 2021. Collection method: clinical testing. Allele origin: germline.

GeneDx
Classification: Likely benign. Last evaluated: 2019-11-13. Review status: criteria provided, single submitter. Criteria: GeneDx Variant Classification Process June 2021. Collection method: clinical testing. Allele origin: germline. Affected: yes.

Athena Diagnostics
Classification: Likely benign. Last evaluated: 2017-09-12. Review status: criteria provided, single submitter. Criteria: Athena Diagnostics Criteria. Collection method: clinical testing. Allele origin: germline.

Illumina Laboratory Services, Illumina
Classification: Uncertain significance for Spastic paraplegia 30A, autosomal dominant. Last evaluated: 2017-04-27. Review status: criteria provided, single submitter. Criteria: ICSL Variant Classification Criteria 13 December 2019. Collection method: clinical testing. Allele origin: germline.

Ambry Genetics
Classification: Likely benign for Inborn genetic diseases. Last evaluated: 2016-08-16. Review status: criteria provided, single submitter. Criteria: Ambry Variant Classification Scheme 2023. Collection method: clinical testing. Allele origin: germline.

NM_001244008.2(KIF1A):c.1437C>T (p.Ala479=)

Gene: KIF1A (kinesin family member 1A; minus strand). Cytogenetic location: 2q37.3.
Variant type: single nucleotide variant.
Coding change: c.1437C>T on transcript NM_001244008.2 (MANE Select); coding-DNA position 1437, C replaced by T.
Protein change: p.Ala479=; no amino-acid change (alanine 479 retained).
Molecular consequence: synonymous variant.
Genome position (GRCh38, 1-based): chr2:240,769,193, G>A on the plus strand (C>T on the coding strand, the complement: KIF1A is on the minus strand). VCF-style: chr2-240769193-G-A. GRCh37 (hg19) VCF-style: chr2-241708610-G-A.
Other names: p.Ala470=; c.1410C>T (NM_004321.7); c.1437C>T, p.Ala479= (NM_001320705.2, NM_001330289.2, NM_001379638.1); c.1512C>T, p.Ala504= (NM_001330290.2, NM_001379631.1, NM_001379634.1 and 2 more transcripts); c.1410C>T, p.Ala470= (NM_001379632.1, NM_001379633.1, NM_001379636.1 and 10 more transcripts); c.1485C>T, p.Ala495= (NM_001379637.1, NM_001379648.1).
Identifiers: ClinVar variation 378043 (VCV000378043.53), dbSNP rs375180690, ClinGen allele CA2208393.